The following is an entry in ClinVar:

ClinVar aggregate classification (germline): Likely pathogenic (1 of 4 stars; one submission).

Submission:

Labcorp Genetics (formerly Invitae), Labcorp
Classification: Likely pathogenic. Last evaluated: 2022-06-23. Review status: criteria provided, single submitter. Criteria: Invitae Variant Classification Sherloc (09022015). Collection method: clinical testing. Allele origin: germline.
Comment: In summary, the currently available evidence indicates that the variant is pathogenic, but additional data are needed to prove that conclusively. Therefore, this variant has been classified as Likely Pathogenic. This variant is present in population databases (rs766088717, gnomAD 0.01%). This sequence change affects a splice site in intron 7 of the PDE6B gene. It is expected to disrupt RNA splicing. Variants that disrupt the donor or acceptor splice site typically lead to a loss of protein function (PMID: 16199547), and loss-of-function variants in PDE6B are known to be pathogenic (PMID: 8394174, 8595886, 22334370). This variant has not been reported in the literature in individuals affected with PDE6B-related conditions. Algorithms developed to predict the effect of sequence changes on RNA splicing suggest that this variant may disrupt the consensus splice site.

Literature cited by the submitters: PubMed 16199547; PubMed 8394174; PubMed 8595886; PubMed 22334370.

NM_000283.4(PDE6B):c.1059+2_1059+3del

Gene: PDE6B (phosphodiesterase 6B; plus strand). Cytogenetic location: 4p16.3.
Variant type: Microsatellite.
Coding change: c.1059+2_1059+3del on transcript NM_000283.4 (MANE Select); the canonical splice donor site of the intron after coding-DNA position 1059 through 3 bases into the intron after coding-DNA position 1059, 2 bases deleted (TG; older notation c.1059+2_1059+3delTG).
Molecular consequence: splice donor variant. On other transcripts: intron variant (1).
Genome position (GRCh38, 1-based): chr4:656,008-656,009, TG deleted; deleting any 2 consecutive bases within chr4:656,006-656,009 gives the same sequence; the c. name uses the placement nearest the transcript's 3' end. VCF-style (leftmost placement, unchanged base first): chr4-656005-TTG-T. GRCh37 (hg19) VCF-style: chr4-649794-TTG-T.
Other names: c.1059+2_1059+3del (NM_001145291.2); c.222+2_222+3del (NM_001379246.1, NM_001379247.1, NM_001145292.2 and 1 more transcripts); c.-48-866_-48-865del (NM_001350155.3).
Identifiers: ClinVar variation 2116004 (VCV002116004.4), dbSNP rs766088717, ClinGen allele CA2794301.